The following is an entry in ClinVar:

NM_006516.4(SLC2A1):c.505_507del (p.Leu169del)

Gene: SLC2A1 (solute carrier family 2 member 1; minus strand). Cytogenetic location: 1p34.2.
Variant type: Deletion.
Coding change: c.505_507del on transcript NM_006516.4 (MANE Select); coding-DNA positions 505 to 507, 3 bases deleted (CTC; older notation c.505_507delCTC).
Protein change: p.Leu169del; deletes leucine 169.
Molecular consequence: inframe deletion.
Genome position (GRCh38, 1-based): chr1:42,930,635-42,930,637, GAG deleted on the plus strand (CTC on the coding strand, the reverse complement: SLC2A1 is on the minus strand); deleting any 3 consecutive bases within chr1:42,930,635-42,930,639 gives the same sequence; the c. name uses the placement nearest the transcript's 3' end. VCF-style (leftmost placement, unchanged base first): chr1-42930634-TGAG-T. GRCh37 (hg19) VCF-style: chr1-43396305-TGAG-T.
Other names: short protein forms L169del.
Identifiers: ClinVar variation 419011 (VCV000419011.13), dbSNP rs80359832, ClinGen allele CA16617148.

ClinVar aggregate classification (germline): Pathogenic/Likely pathogenic. Review status: criteria provided, multiple submitters, no conflicts (2 of 4 stars). 5 submissions from 5 submitters: Pathogenic (4); Likely pathogenic (1). Last evaluated 2024-02-24.

Conditions:
Childhood onset GLUT1 deficiency syndrome 2. Also called: GLUT1 deficiency syndrome 2; PxMD-SLC2A1; PAROXYSMAL EXERCISE-INDUCED DYSKINESIA WITH OR WITHOUT EPILEPSY AND/OR HEMOLYTIC ANEMIA; PAROXYSMAL EXERTION-INDUCED DYSTONIA WITH OR WITHOUT EPILEPSY AND/OR HEMOLYTIC ANEMIA; PED WITH OR WITHOUT EPILEPSY AND/OR HEMOLYTIC ANEMIA; Paroxysmal exercise-induced dystonia. Identifiers: Orphanet 98811, MedGen C1842534, MONDO:0012805, OMIM 612126.
Encephalopathy due to GLUT1 deficiency. Also called: De Vivo disease; GLUT1 deficiency syndrome 1, infantile onset, severe; GLUCOSE TRANSPORT DEFECT, BLOOD-BRAIN BARRIER; Glucose transporter protein syndrome; GLUT1 deficiency syndrome 1; Classic Glucose Transporter Type 1 Deficiency Syndrome. Identifiers: Orphanet 71277, MedGen C4551966, MONDO:0011724, OMIM 606777.
GLUT1 deficiency syndrome 1, autosomal recessive. Identifiers: MedGen C3149117.

Submissions (5):

Labcorp Genetics (formerly Invitae), Labcorp
Classification: Pathogenic for GLUT1 deficiency syndrome 1, autosomal recessive. Last evaluated: 2024-02-24. Review status: criteria provided, single submitter. Criteria: Invitae Variant Classification Sherloc (09022015). Collection method: clinical testing. Allele origin: germline.
Comment: This variant, c.505_507del, results in the deletion of 1 amino acid(s) of the SLC2A1 protein (p.Leu169del), but otherwise preserves the integrity of the reading frame. This variant is not present in population databases (gnomAD no frequency). This variant has been observed in individual(s) with autosomal dominant glucose transporter deficiency syndrome (PMID: 15622525, 20129935, 31302675). In at least one individual the variant was observed to be de novo. This variant is also known as 684-686delCTC. ClinVar contains an entry for this variant (Variation ID: 419011). For these reasons, this variant has been classified as Pathogenic.

Institute of Human Genetics, University of Leipzig Medical Center
Classification: Likely pathogenic for Encephalopathy due to GLUT1 deficiency. Last evaluated: 2023-12-18. Review status: criteria provided, single submitter. Criteria: ACMG Guidelines, 2015. Collection method: clinical testing. Allele origin: unknown. Inheritance: Autosomal dominant inheritance. Affected: yes.
Comment: Criteria applied: PS4_MOD,PM4,PM6,PM2_SUP

Genome-Nilou Lab
Classification: Pathogenic for Encephalopathy due to GLUT1 deficiency. Last evaluated: 2023-04-11. Review status: criteria provided, single submitter. Criteria: ACMG Guidelines, 2015. Collection method: clinical testing. Allele origin: germline. Affected: no.

Victorian Clinical Genetics Services, Murdoch Childrens Research Institute
Classification: Pathogenic for Childhood onset GLUT1 deficiency syndrome 2. Last evaluated: 2022-02-02. Review status: criteria provided, single submitter. Criteria: ACMG Guidelines, 2015. Collection method: clinical testing. Allele origin: germline. Inheritance: Autosomal dominant inheritance.
Comment: Based on the classification scheme VCGS_Germline_v1.3.4, this variant is classified as Pathogenic. Following criteria are met: 0102 - Loss of function is a known mechanism of disease in this gene and is associated with dystonia 9 (MIM#601042), infantile-onset GLUT1 deficiency syndrome 1 (MIM#606777), childhood-onset GLUT1 deficiency syndrome 2 (GDS) (MIM#612126) and stomatin-deficient cryohydrocytosis with neurologic defects, (MIM#608885). (I) 0107 - This gene is associated with autosomal dominant disease. Autosomal recessive disease has been rarely reported (OMIM). (I) 0112 - The condition associated with this gene has incomplete penetrance. Individuals with missense variants causing GDS or epilepsy have been reported with incomplete penetrance, but this is a rare occurrence (OMIM, PMID: 18451999). (I) 0115 - Variants in this gene are known to have variable expressivity within families with GDS (PMID: 20129935). (I) 0213 - In-frame deletion in a non-repetitive region that has high conservation. (SP) 0251 - This variant is heterozygous. (I) 0301 - Variant is absent from gnomAD (both v2 and v3). (SP) 0801 - This variant has strong previous evidence of pathogenicity in unrelated individuals. This variant has been reported as pathogenic, and observed in multiple individuals with early onset refractory seizures and/or GLUT1 deficiency syndrome. The variant in two of these individuals was confirmed de novo (ClinVar, PMID: 30271476, PMID: 20129935, PMID: 26193382). (SP) 1102 - Strong phenotype match for this individual. (SP) Legend: (SP) - Supporting pathogenic, (I) - Information, (SB) - Supporting benign

GeneDx
Classification: Pathogenic. Last evaluated: 2017-01-10. Review status: criteria provided, single submitter. Criteria: GeneDx Variant Classification (06012015). Collection method: clinical testing. Allele origin: germline. Affected: yes.
Comment: The c.505_507delCTC pathogenic variant in the SLC2A1 gene has been reported multiple times previously (as 686delCTC or 684-686delCTC due to alternative nomenclature) in association with glucose transporter type 1 deficiency syndrome (Glut1-DS) (Pascual et al., 2002; Wang et al., 2005;). The c.505_507delCTC variant causes an in-frame deletion of a Leucine residue at codon 169, denoted p.Leu169del. The c.505_507delCTC variant is not observed in large population cohorts (Lek et al., 2016; 1000 Genomes Consortium et al., 2015; Exome Variant Server).

Literature cited by the submitters: PubMed 15622525 (cited by Labcorp Genetics (formerly Invitae), Labcorp); PubMed 20129935 (cited by Labcorp Genetics (formerly Invitae), Labcorp and Victorian Clinical Genetics Services, Murdoch Childrens Research Institute); PubMed 31302675 (cited by Labcorp Genetics (formerly Invitae), Labcorp); PubMed 18451999 (cited by Victorian Clinical Genetics Services, Murdoch Childrens Research Institute); PubMed 26193382 (cited by Victorian Clinical Genetics Services, Murdoch Childrens Research Institute); PubMed 30271476 (cited by Victorian Clinical Genetics Services, Murdoch Childrens Research Institute).